The following is an entry in ClinVar:

NM_004959.5(NR5A1):c.598C>A (p.Pro200Thr)

Gene: NR5A1 (nuclear receptor subfamily 5 group A member 1; minus strand). Cytogenetic location: 9q33.3.
Variant type: single nucleotide variant.
Coding change: c.598C>A on transcript NM_004959.5 (MANE Select); coding-DNA position 598, C replaced by A.
Protein change: p.Pro200Thr; replaces proline 200 with threonine.
Molecular consequence: missense variant.
Genome position (GRCh38, 1-based): chr9:124,500,362, G>T on the plus strand (C>A on the coding strand, the complement: NR5A1 is on the minus strand). VCF-style: chr9-124500362-G-T. GRCh37 (hg19) VCF-style: chr9-127262641-G-T.
Other names: short protein forms P200T.
Identifiers: ClinVar variation 2924969 (VCV002924969.4), dbSNP rs778017949, ClinGen allele CA5235438.

ClinVar aggregate classification (germline): Uncertain significance. Review status: criteria provided, multiple submitters, no conflicts (2 of 4 stars). 2 submissions from 2 submitters: Uncertain significance (2). Last evaluated 2025-11-10.

Conditions:
46 XY differences of sex development. Also called: 46, XY disorder of sex development (DSD); 46,XY disorder of sex development. Identifiers: MONDO:0020040, Orphanet 98085, MedGen C2751824.
Oligosynaptic infertility (SPGF1). Also called: OLIGOCHIASMATIC INFERTILITY; SPERMATOGENIC FAILURE 1. Identifiers: MedGen C0403810, MONDO:0009776, OMIM 258150.

gnomAD v4.1: 18 of 1,556,234 alleles (0.0012%); highest among the groups gnomAD compares: South Asian, 0.0024%; no homozygotes.

Submissions (2):

Labcorp Genetics (formerly Invitae), Labcorp
Classification: Uncertain significance for 46 XY differences of sex development; Oligosynaptic infertility. Last evaluated: 2025-11-10. Review status: criteria provided, single submitter. Criteria: Invitae Variant Classification Sherloc (09022015). Collection method: clinical testing. Allele origin: germline.
Comment: This sequence change replaces proline, which is neutral and non-polar, with threonine, which is neutral and polar, at codon 200 of the NR5A1 protein (p.Pro200Thr). This variant is present in population databases (rs778017949, gnomAD 0.004%). This variant has not been reported in the literature in individuals affected with NR5A1-related conditions. ClinVar contains an entry for this variant (Variation ID: 2924969). Invitae Evidence Modeling of protein sequence and biophysical properties (such as structural, functional, and spatial information, amino acid conservation, physicochemical variation, residue mobility, and thermodynamic stability) indicates that this missense variant is not expected to disrupt NR5A1 protein function with a negative predictive value of 95%. In summary, the available evidence is currently insufficient to determine the role of this variant in disease. Therefore, it has been classified as a Variant of Uncertain Significance.

Blueprint Genetics
Classification: Uncertain significance. Last evaluated: 2024-07-29. Review status: criteria provided, single submitter. Criteria: ACMG Guidelines, 2015. Collection method: clinical testing. Allele origin: germline.